The following is an entry in ClinVar:

ClinVar aggregate classification (germline): Uncertain significance. Review status: criteria provided, multiple submitters, no conflicts (2 of 4 stars). 2 submissions from 2 submitters: Uncertain significance (2). Last evaluated 2025-03-06.

gnomAD v4.1: 1 of 1,612,946 alleles (0.000062%); highest among the groups gnomAD compares: Non-Finnish European, 0.000085%; no homozygotes.

Submissions (2):

Labcorp Genetics (formerly Invitae), Labcorp
Classification: Uncertain significance. Last evaluated: 2025-03-06. Review status: criteria provided, single submitter. Criteria: Invitae Variant Classification Sherloc (09022015). Collection method: clinical testing. Allele origin: germline.
Comment: This sequence change replaces asparagine, which is neutral and polar, with serine, which is neutral and polar, at codon 871 of the HMCN1 protein (p.Asn871Ser). This variant is not present in population databases (gnomAD no frequency). This variant has not been reported in the literature in individuals affected with HMCN1-related conditions. ClinVar contains an entry for this variant (Variation ID: 2289679). An algorithm developed to predict the effect of missense changes on protein structure and function (PolyPhen-2) suggests that this variant is likely to be disruptive. In summary, the available evidence is currently insufficient to determine the role of this variant in disease. Therefore, it has been classified as a Variant of Uncertain Significance.

Ambry Genetics
Classification: Uncertain significance. Last evaluated: 2022-05-25. Review status: criteria provided, single submitter. Criteria: Ambry Variant Classification Scheme 2023. Collection method: clinical testing. Allele origin: germline.

NM_031935.3(HMCN1):c.2612A>G (p.Asn871Ser)

Gene: HMCN1 (hemicentin 1; plus strand). Cytogenetic location: 1q31.1.
Variant type: single nucleotide variant.
Coding change: c.2612A>G on transcript NM_031935.3 (MANE Select); coding-DNA position 2612, A replaced by G.
Protein change: p.Asn871Ser; replaces asparagine 871 with serine.
Molecular consequence: missense variant.
Genome position (GRCh38, 1-based): chr1:185,981,023, A>G. VCF-style: chr1-185981023-A-G. GRCh37 (hg19) VCF-style: chr1-185950155-A-G.
Other names: short protein forms N871S.
Identifiers: ClinVar variation 2289679 (VCV002289679.3), dbSNP rs1204432769, ClinGen allele CA343885861.